The following is an entry in ClinVar:

ClinVar aggregate classification (germline): Uncertain significance (1 of 4 stars; one submission).

Conditions:
Hereditary cancer-predisposing syndrome. Also called: Neoplastic Syndromes, Hereditary; Tumor predisposition; Hereditary neoplastic syndrome; Hereditary Cancer Syndrome. Identifiers: Orphanet 140162, MedGen C0027672, MeSH D009386, MONDO:0015356.

Submission:

Ambry Genetics
Classification: Uncertain significance for Hereditary cancer-predisposing syndrome. Last evaluated: 2024-06-17. Review status: criteria provided, single submitter. Criteria: Ambry Variant Classification Scheme 2023. Collection method: clinical testing. Allele origin: germline.
Comment: The p.I1237L variant (also known as c.3709A>C), located in coding exon 24 of the ATM gene, results from an A to C substitution at nucleotide position 3709. The isoleucine at codon 1237 is replaced by leucine, an amino acid with highly similar properties. This amino acid position is conserved. In addition, this alteration is predicted to be tolerated by in silico analysis. Based on the available evidence, the clinical significance of this variant remains unclear.

NM_000051.4(ATM):c.3709A>C (p.Ile1237Leu)

Gene: ATM (ATM serine/threonine kinase; plus strand). Cytogenetic location: 11q22.3.
Variant type: single nucleotide variant.
Coding change: c.3709A>C on transcript NM_000051.4 (MANE Select); coding-DNA position 3709, A replaced by C.
Protein change: p.Ile1237Leu; replaces isoleucine 1237 with leucine.
Molecular consequence: missense variant.
Genome position (GRCh38, 1-based): chr11:108,282,842, A>C. VCF-style: chr11-108282842-A-C. GRCh37 (hg19) VCF-style: chr11-108153569-A-C.
Other names: c.3709A>C, p.Ile1237Leu (NM_001351834.2); short protein forms I1237L.
Identifiers: ClinVar variation 3326786 (VCV003326786.1).